The following is an entry in ClinVar:

NM_015338.6(ASXL1):c.4297del (p.Gln1433fs)

Gene: ASXL1 (ASXL transcriptional regulator 1; plus strand). Cytogenetic location: 20q11.21.
Variant type: Deletion.
Coding change: c.4297del on transcript NM_015338.6 (MANE Select); coding-DNA position 4297, one base deleted (C; older notation c.4297delC).
Protein change: p.Gln1433fs; shifts the reading frame from glutamine 1433.
Molecular consequence: frameshift variant.
Genome position (GRCh38, 1-based): chr20:32,437,009, C deleted; the last of 3 consecutive C bases (chr20:32,437,007-32,437,009); deleting any one gives the same sequence. VCF-style (leftmost placement, unchanged base first): chr20-32437006-TC-T. GRCh37 (hg19) VCF-style: chr20-31024809-TC-T.
Other names: c.4114del, p.Gln1372fs (NM_001363734.1); short protein forms Q1372fs, Q1433fs.
Identifiers: ClinVar variation 4880657 (VCV004880657.2).

ClinVar aggregate classification (germline): Likely pathogenic (1 of 4 stars; one submission).

Conditions:
Bohring-Opitz syndrome. Also called: C-LIKE SYNDROME; BOHRING SYNDROME; OPITZ TRIGONOCEPHALY-LIKE SYNDROME; ASXL1-Related Bohring-Opitz Syndrome. Identifiers: Orphanet 97297, MedGen C0796232, MONDO:0011510, OMIM 605039.

Submission:

Dasa
Classification: Likely pathogenic for Bohring-Opitz syndrome. Last evaluated: 2026-01-16. Review status: criteria provided, single submitter. Criteria: DASA Assertion Criteria. Collection method: clinical testing. Allele origin: germline.
Comment: NM_015338.6(ASXL1):c.4297del (p.Gln1433Asnfs*17) is a frameshift variant in ASXL1 predicted to alter the reading frame and introduce a premature termination codon and is predicted to result in an absent or altered protein product. Loss of function is an established disease mechanism for ASXL1 (PMID: 21706002; PMID: 22419483). Also, this variant is absent from population databases. Based on the currently available evidence, this variant is classified as likely pathogenic.

Literature cited by the submitters: PubMed 21706002; PubMed 22419483.